The following is an entry in ClinVar:

NM_024312.5(GNPTAB):c.373C>T (p.Gln125Ter)

Gene: GNPTAB (N-acetylglucosamine-1-phosphate transferase subunits alpha and beta; minus strand). Cytogenetic location: 12q23.2.
Variant type: single nucleotide variant.
Coding change: c.373C>T on transcript NM_024312.5 (MANE Select); coding-DNA position 373, C replaced by T.
Protein change: p.Gln125Ter; replaces glutamine 125 with a stop codon.
Molecular consequence: nonsense.
Genome position (GRCh38, 1-based): chr12:101,786,210, G>A on the plus strand (C>T on the coding strand, the complement: GNPTAB is on the minus strand). VCF-style: chr12-101786210-G-A. GRCh37 (hg19) VCF-style: chr12-102179988-G-A.
Other names: short protein forms Q125*.
Identifiers: ClinVar variation 5012332 (VCV005012332.1).

ClinVar aggregate classification (germline): Pathogenic (1 of 4 stars; one submission).

Conditions:
GNPTAB-mucolipidosis. Also called: UDP-N-acetylglucosamine-1-phosphotransferase subunit alpha/beta deficiency. Identifiers: MedGen CN322573, MONDO:0100122.

Submission:

Myriad Genetics, Inc.
Classification: Pathogenic for GNPTAB-mucolipidosis. Last evaluated: 2023-09-29. Review status: criteria provided, single submitter. Criteria: Myriad Autosomal Dominant, Autosomal Recessive and X-Linked Classification Criteria (2023). Collection method: clinical testing. Allele origin: unknown.
Comment: NM_024312.4(GNPTAB):c.373C>T(Q125*) is expected to be pathogenic in the context of GNPTAB-related disorders. This variant is predicted to lead to an abnormal or absent protein product due to the creation of a premature termination codon in GNPTAB, a gene where loss-of-function variants are known to be pathogenic. Please note: this variant was assessed in the context of healthy population screening.